The following is an entry in ClinVar:

NM_016026.4(RDH11):c.587A>G (p.Tyr196Cys)

Genes: GPHN (gephyrin; plus strand), RDH11 (retinol dehydrogenase 11; minus strand). Cytogenetic location: 14q24.1.
Variant type: single nucleotide variant.
Coding change: c.587A>G on transcript NM_016026.4 (MANE Select); coding-DNA position 587, A replaced by G.
Protein change: p.Tyr196Cys; replaces tyrosine 196 with cysteine.
Molecular consequence: missense variant. On other transcripts: intron variant (1).
Genome position (GRCh38, 1-based): chr14:67,690,289, T>C on the plus strand (A>G on the coding strand, the complement: RDH11 is on the minus strand). VCF-style: chr14-67690289-T-C. GRCh37 (hg19) VCF-style: chr14-68157006-T-C.
Other names: c.454+851A>G (NM_001252650.2); short protein forms Y196C.
Identifiers: ClinVar variation 1943540 (VCV001943540.5), dbSNP rs2503632673, ClinGen allele CA390133258.

ClinVar aggregate classification (germline): Uncertain significance (1 of 4 stars; one submission).

Allele frequency attached by ClinVar (database versions not stated): gnomAD exomes below 0.00001.
gnomAD v4.1: 2 of 1,614,198 alleles (0.00012%); highest among the groups gnomAD compares: African/African-American, 0.0013%; no homozygotes.

Submission:

Labcorp Genetics (formerly Invitae), Labcorp
Classification: Uncertain significance. Last evaluated: 2022-05-25. Review status: criteria provided, single submitter. Criteria: Invitae Variant Classification Sherloc (09022015). Collection method: clinical testing. Allele origin: germline.
Comment: In summary, the available evidence is currently insufficient to determine the role of this variant in disease. Therefore, it has been classified as a Variant of Uncertain Significance. Algorithms developed to predict the effect of missense changes on protein structure and function (SIFT, PolyPhen-2, Align-GVGD) all suggest that this variant is likely to be disruptive. This variant has not been reported in the literature in individuals affected with RDH11-related conditions. This variant is not present in population databases (gnomAD no frequency). This sequence change replaces tyrosine, which is neutral and polar, with cysteine, which is neutral and slightly polar, at codon 196 of the RDH11 protein (p.Tyr196Cys).